The following is an entry in ClinVar:

ClinVar aggregate classification (germline): Uncertain significance. Review status: criteria provided, multiple submitters, no conflicts (2 of 4 stars). 2 submissions from 2 submitters: Uncertain significance (2). Last evaluated 2024-04-16.

Conditions:
Combined immunodeficiency due to DOCK8 deficiency (HIES2). Also called: HIES autosomal recessive; Hyper-IgE recurrent infection syndrome, autosomal recessive; DOCK8 Deficiency; HYPER-IgE RECURRENT INFECTION SYNDROME 2, AUTOSOMAL RECESSIVE; HYPER-IgE SYNDROME 2, AUTOSOMAL RECESSIVE, WITH RECURRENT INFECTIONS. Identifiers: Orphanet 217390, MedGen C4722305, MONDO:0009478, OMIM 243700.

Allele frequency attached by ClinVar (database versions not stated): gnomAD below 0.00001 and 0.00001; TOPMed 0.00001; gnomAD exomes 0.00004; ExAC 0.00005.
gnomAD v4.1: 41 of 1,614,070 alleles (0.0025%); highest among the groups gnomAD compares: South Asian, 0.043%; no homozygotes.

Submissions (2):

Women's Health and Genetics/Laboratory Corporation of America, LabCorp
Classification: Uncertain significance. Last evaluated: 2024-04-16. Review status: criteria provided, single submitter. Criteria: LabCorp Variant Classification Summary - May 2015. Collection method: clinical testing. Allele origin: germline.
Comment: Variant summary: DOCK8 c.4041C>A (p.Asp1347Glu) results in a conservative amino acid change in the encoded protein sequence. Four of five in-silico tools predict a benign effect of the variant on protein function. The variant allele was found at a frequency of 4e-05 in 251458 control chromosomes, predominantly at a frequency of 0.00033 within the South Asian subpopulation in the gnomAD database. The variant, c.4041C>A, has been reported in the literature in an individual affected with hyper IgE syndrome (Omoyinmi_2017). This report does not provide unequivocal conclusions about association of the variant with Combined Immunodeficiency Due To DOCK8 Deficiency. To our knowledge, no experimental evidence demonstrating an impact on protein function has been reported. The following publication has been ascertained in the context of this evaluation (PMID: 28750028). ClinVar contains an entry for this variant (Variation ID: 1008457). Based on the evidence outlined above, the variant was classified as uncertain significance.

Labcorp Genetics (formerly Invitae), Labcorp
Classification: Uncertain significance for Combined immunodeficiency due to DOCK8 deficiency. Last evaluated: 2022-08-22. Review status: criteria provided, single submitter. Criteria: Invitae Variant Classification Sherloc (09022015). Collection method: clinical testing. Allele origin: germline.
Comment: This sequence change replaces aspartic acid, which is acidic and polar, with glutamic acid, which is acidic and polar, at codon 1347 of the DOCK8 protein (p.Asp1347Glu). This variant is present in population databases (rs776482748, gnomAD 0.03%). This missense change has been observed in individual(s) with clinical features of DOCK8-related conditions (PMID: 28750028). ClinVar contains an entry for this variant (Variation ID: 1008457). Algorithms developed to predict the effect of missense changes on protein structure and function (SIFT, PolyPhen-2, Align-GVGD) all suggest that this variant is likely to be tolerated. In summary, the available evidence is currently insufficient to determine the role of this variant in disease. Therefore, it has been classified as a Variant of Uncertain Significance.

Literature cited by the submitters: PubMed 28750028 (cited by Women's Health and Genetics/Laboratory Corporation of America, LabCorp and Labcorp Genetics (formerly Invitae), Labcorp).

NM_203447.4(DOCK8):c.4041C>A (p.Asp1347Glu)

Gene: DOCK8 (dedicator of cytokinesis 8; plus strand). Cytogenetic location: 9p24.3.
Variant type: single nucleotide variant.
Coding change: c.4041C>A on transcript NM_203447.4 (MANE Select); coding-DNA position 4041, C replaced by A.
Protein change: p.Asp1347Glu; replaces aspartic acid 1347 with glutamic acid.
Molecular consequence: missense variant.
Genome position (GRCh38, 1-based): chr9:420,966, C>A. VCF-style: chr9-420966-C-A. GRCh37 (hg19) VCF-style: chr9-420966-C-A.
Other names: c.3741C>A, p.Asp1247Glu (NM_001190458.2); c.3837C>A, p.Asp1279Glu (NM_001193536.2); short protein forms D1247E, D1279E, D1347E.
Identifiers: ClinVar variation 1008457 (VCV001008457.7), dbSNP rs776482748, ClinGen allele CA4958921.